The following is an entry in ClinVar:

ClinVar aggregate classification (germline): Pathogenic (1 of 4 stars; one submission).

Conditions:
Dystonia 12 (DYT12). Also called: DYT-ATP1A3; Rapid-Onset Dystonia-Parkinsonism (RDP). Identifiers: Orphanet 71517, MedGen C1868681, MONDO:0007496, OMIM 128235.

Submission:

Labcorp Genetics (formerly Invitae), Labcorp
Classification: Pathogenic for Dystonia 12. Last evaluated: 2021-12-01. Review status: criteria provided, single submitter. Criteria: Invitae Variant Classification Sherloc (09022015). Collection method: clinical testing. Allele origin: germline.
Comment: ClinVar contains an entry for this variant (Variation ID: 406192). This sequence change creates a premature translational stop signal (p.Trp921*) in the ATP1A3 gene. It is expected to result in an absent or disrupted protein product. Loss-of-function variants in ATP1A3 are known to be pathogenic (PMID: 24631656, 24983657). This variant is not present in population databases (gnomAD no frequency). This variant has not been reported in the literature in individuals affected with ATP1A3-related conditions. For these reasons, this variant has been classified as Pathogenic.

Literature cited by the submitters: PubMed 24631656; PubMed 24983657.

NM_152296.5(ATP1A3):c.2763G>A (p.Trp921Ter)

Gene: ATP1A3 (ATPase Na+/K+ transporting subunit alpha 3; minus strand). Cytogenetic location: 19q13.2.
Variant type: single nucleotide variant.
Coding change: c.2763G>A on transcript NM_152296.5 (MANE Select); coding-DNA position 2763, G replaced by A.
Protein change: p.Trp921Ter; replaces tryptophan 921 with a stop codon.
Molecular consequence: nonsense.
Genome position (GRCh38, 1-based): chr19:41,968,841, C>T on the plus strand (G>A on the coding strand, the complement: ATP1A3 is on the minus strand). VCF-style: chr19-41968841-C-T. GRCh37 (hg19) VCF-style: chr19-42472993-C-T.
Other names: c.2796G>A, p.Trp932Ter (NM_001256213.2); c.2802G>A, p.Trp934Ter (NM_001256214.2); short protein forms W921*, W932*, W934*.
Identifiers: ClinVar variation 406192 (VCV000406192.9), dbSNP rs1060500993, ClinGen allele CA16616281.